The following is an entry in ClinVar:

NM_000075.4(CDK4):c.702A>C (p.Pro234=)

Genes: CDK4 (cyclin dependent kinase 4; minus strand), TSPAN31 (tetraspanin 31; plus strand). Cytogenetic location: 12q14.1.
Variant type: single nucleotide variant.
Coding change: c.702A>C on transcript NM_000075.4 (MANE Select); coding-DNA position 702, A replaced by C.
Protein change: p.Pro234=; no amino-acid change (proline 234 retained).
Molecular consequence: synonymous variant. On other transcripts: 3 prime UTR variant (3).
Genome position (GRCh38, 1-based): chr12:57,749,299, T>G on the plus strand (A>C on the coding strand, the complement: CDK4 is on the minus strand). VCF-style: chr12-57749299-T-G. GRCh37 (hg19) VCF-style: chr12-58143082-T-G.
Other names: c.*2009T>G (NM_001330168.2, NM_001330169.2, NM_005981.5).
Identifiers: ClinVar variation 414928 (VCV000414928.19), dbSNP rs368081942, ClinGen allele CA6657702.

ClinVar aggregate classification (germline): Benign/Likely benign. Review status: criteria provided, multiple submitters, no conflicts (2 of 4 stars). 5 submissions from 5 submitters: Benign (1); Likely benign (4). Last evaluated 2025-10-09.

Conditions:
CDK4-related disorder. Also called: CDK4-related condition.
Familial melanoma. Also called: Hereditary melanoma; Hereditary cutaneous melanoma. Identifiers: Orphanet 618, MedGen C1512419, MONDO:0018961.
Hereditary cancer-predisposing syndrome. Also called: Hereditary Cancer Syndrome; Tumor predisposition; Hereditary neoplastic syndrome; Neoplastic Syndromes, Hereditary. Identifiers: Orphanet 140162, MedGen C0027672, MeSH D009386, MONDO:0015356.
Melanoma, cutaneous malignant, susceptibility to, 3. Also called: Cutaneous malignant melanoma 3. Identifiers: Orphanet 618, MedGen C1836892, MONDO:0012183, OMIM 609048.

Allele frequency attached by ClinVar (database versions not stated): ExAC 0.00001; gnomAD exomes 0.00001; gnomAD 0.00005 and 0.00006; TOPMed 0.00005; ESP Exome Variant Server 0.00008.

Submissions (5):

Labcorp Genetics (formerly Invitae), Labcorp
Classification: Likely benign for Familial melanoma. Last evaluated: 2025-10-09. Review status: criteria provided, single submitter. Criteria: Invitae Variant Classification Sherloc (09022015). Collection method: clinical testing. Allele origin: germline.

PreventionGenetics, part of Exact Sciences
Classification: Likely benign for CDK4-related condition. Last evaluated: 2025-08-19. Review status: criteria provided, single submitter. Criteria: ACMG Guidelines, 2015. Collection method: clinical testing. Allele origin: germline.
Comment: This variant is classified as likely benign based on ACMG/AMP sequence variant interpretation guidelines (Richards et al. 2015 PMID: 25741868, with internal and published modifications).

Myriad Genetics, Inc.
Classification: Benign for Melanoma, cutaneous malignant, susceptibility to, 3. Last evaluated: 2024-09-26. Review status: criteria provided, single submitter. Criteria: Myriad Autosomal Dominant, Autosomal Recessive and X-Linked Classification Criteria (2023). Collection method: clinical testing. Allele origin: unknown.
Comment: This variant is considered benign. This variant is a silent/synonymous amino acid change and it is not expected to impact splicing.

GeneDx
Classification: Likely benign. Last evaluated: 2018-05-08. Review status: criteria provided, single submitter. Criteria: GeneDx Variant Classification (06012015). Collection method: clinical testing. Allele origin: germline. Affected: yes.
Comment: This variant is considered likely benign or benign based on one or more of the following criteria: it is a conservative change, it occurs at a poorly conserved position in the protein, it is predicted to be benign by multiple in silico algorithms, and/or has population frequency not consistent with disease.

Ambry Genetics
Classification: Likely benign for Hereditary cancer-predisposing syndrome. Last evaluated: 2015-11-06. Review status: criteria provided, single submitter. Criteria: Ambry Variant Classification Scheme 2023. Collection method: clinical testing. Allele origin: germline.